The following is an entry in ClinVar:

NM_000059.4(BRCA2):c.7649T>A (p.Ile2550Lys)

Gene: BRCA2 (BRCA2 DNA repair associated; plus strand). Cytogenetic location: 13q13.1.
Variant type: single nucleotide variant.
Coding change: c.7649T>A on transcript NM_000059.4 (MANE Select); coding-DNA position 7649, T replaced by A.
Protein change: p.Ile2550Lys; replaces isoleucine 2550 with lysine.
Molecular consequence: missense variant.
Genome position (GRCh38, 1-based): chr13:32,357,773, T>A. VCF-style: chr13-32357773-T-A. GRCh37 (hg19) VCF-style: chr13-32931910-T-A.
Other names: short protein forms I2550K.
Identifiers: ClinVar variation 665071 (VCV000665071.12), dbSNP rs1593920698, ClinGen allele CA387744909.

ClinVar aggregate classification (germline): Conflicting classifications of pathogenicity. Review status: criteria provided, conflicting classifications (1 of 4 stars). 2 submissions from 2 submitters: Uncertain significance (1); Likely benign (1). Last evaluated 2025-04-29.

Conditions:
Hereditary cancer-predisposing syndrome. Also called: Tumor predisposition; Hereditary neoplastic syndrome; Neoplastic Syndromes, Hereditary; Hereditary Cancer Syndrome. Identifiers: Orphanet 140162, MedGen C0027672, MeSH D009386, MONDO:0015356.
Hereditary breast ovarian cancer syndrome. Also called: BRCA1- and BRCA2-Associated Hereditary Breast and Ovarian Cancer; Breast and ovarian cancer; Hereditary breast and ovarian cancer syndrome (HBOC); Hereditary breast and ovarian cancer; Hereditary breast and ovarian cancer syndrome; Hereditary breast and/or ovarian cancer syndrome. Identifiers: Orphanet 145, MedGen C0677776, MeSH D061325, MONDO:0003582. Disease mechanism: loss of function.

Submissions (2):

Ambry Genetics
Classification: Likely benign for Hereditary cancer-predisposing syndrome. Last evaluated: 2025-04-29. Review status: criteria provided, single submitter. Criteria: Ambry Variant Classification Scheme 2023. Collection method: clinical testing. Allele origin: germline.

Labcorp Genetics (formerly Invitae), Labcorp
Classification: Uncertain significance for Hereditary breast ovarian cancer syndrome. Last evaluated: 2018-11-21. Review status: criteria provided, single submitter. Criteria: Invitae Variant Classification Sherloc (09022015). Collection method: clinical testing. Allele origin: germline.
Comment: This variant has not been reported in the literature in individuals with BRCA2-related disease. In summary, the available evidence is currently insufficient to determine the role of this variant in disease. Therefore, it has been classified as a Variant of Uncertain Significance. Algorithms developed to predict the effect of missense changes on protein structure and function (SIFT, PolyPhen-2, Align-GVGD) all suggest that this variant is likely to be disruptive, but these predictions have not been confirmed by published functional studies and their clinical significance is uncertain. This variant is not present in population databases (ExAC no frequency). This sequence change replaces isoleucine with lysine at codon 2550 of the BRCA2 protein (p.Ile2550Lys). The isoleucine residue is weakly conserved and there is a moderate physicochemical difference between isoleucine and lysine.